The following is an entry in ClinVar:

ClinVar aggregate classification (germline): Benign (1 of 4 stars; one submission).

Submission:

CeGaT Center for Human Genetics Tuebingen
Classification: Benign. Last evaluated: 2026-05-01. Review status: criteria provided, single submitter. Criteria: CeGaT Center For Human Genetics Tuebingen Variant Classification Criteria Version 2. Collection method: clinical testing. Allele origin: germline. Affected: yes. Observed: 3 variant alleles.
Comment: SOS1: BS1, BS2

NM_005633.4(SOS1):c.3346+72_3346+73del

Gene: SOS1 (SOS Ras/Rac guanine nucleotide exchange factor 1; minus strand). Cytogenetic location: 2p22.1.
Variant type: Microsatellite.
Coding change: c.3346+72_3346+73del on transcript NM_005633.4 (MANE Select); bases 72 to 73 of the intron after coding-DNA position 3346, 2 bases deleted (CT; older notation c.3346+72_3346+73delCT).
Molecular consequence: intron variant.
Genome position (GRCh38, 1-based): chr2:38,995,050-38,995,051, AG deleted on the plus strand (CT on the coding strand, the reverse complement: SOS1 is on the minus strand); deleting any 2 consecutive bases within chr2:38,995,050-38,995,054 gives the same sequence; the c. name uses the placement nearest the transcript's 3' end. VCF-style (leftmost placement, unchanged base first): chr2-38995049-CAG-C. GRCh37 (hg19) VCF-style: chr2-39222190-CAG-C.
Other names: c.3325+72_3325+73del (NM_001382394.1); c.3346+72_3346+73del (NM_001382395.1).
Identifiers: ClinVar variation 3904781 (VCV003904781.10).
Genomic context (GRCh38, chr2:38,995,049, plus strand): 5'-AATATTATCTTTTGAAATGGCATTTGACTTAACTACAAGTTCACACATACAAAAAAATAA[CAG>C]AGATTCTTTTTTACCTCTAGCATGTATAGTACTAACAAATACCTTAATGCACTTAGAATT-3'